The following continues an entry in ClinVar:

NM_177438.3(DICER1):c.5113G>A (p.Glu1705Lys)

Gene: DICER1. ClinVar aggregate classification (germline): Pathogenic. Pathogenic (1). ClinVar aggregate classification (somatic clinical impact): Tier I - Strong.

Submissions 8 to 9 of 9:

Institute for Genomic Medicine (IGM) Clinical Laboratory, Nationwide Children's Hospital
Classification: Tier I - Strong for Primary intracranial sarcoma, DICER1-mutant. Assertion type: diagnostic. Clinical significance: supports diagnosis. Last evaluated: 2022-11-24. Review status: criteria provided, single submitter. Criteria: AMP/ASCO/CAP Guidelines, 2017. Collection method: clinical testing. Allele origin: somatic. Affected: yes.
Comment: Variant has Tier I (strong) clinical significance as a diagnostic inclusion criterion in primary intracranial sarcoma, DICER1-mutant, based on the following evidence: 1) Documented in one or more cancer databases (e.g., St. Jude Pecan, COSMIC, CIViC, OncoKB). 2) Appears in one or more well-established professional guidelines (e.g., World Health Organization [WHO]; National Comprehensive Cancer Network [NCCN]) as providing diagnostic, prognostic, or therapeutic information. 3) Information in the literature supports potential biologic effect of variant (PMIDs: 26428316, 25176334, 22187960). 4) Diagnostic for a specific tumor type/classification according to professional guidelines (Evidence Level A; PMIDs: 32291395, 29881993, 25176334).

Foulkes Cancer Genetics LDI, Lady Davis Institute for Medical Research
Classification: Pathogenic for Pleuropulmonary blastoma. Last evaluated: 2019-07-01. Review status: criteria provided, single submitter. Criteria: ACMG Guidelines, 2015. Collection method: curation. Allele origin: somatic, de novo, unknown. Affected: yes. Observed: 82 variant alleles. Not counted in ClinVar's aggregate classification.
Comment: ACMG criteria met: PS2, PS3, PM1, PM2, PP4

Literature cited by the submitters: PubMed 22187960 (cited by 3 submitters); PubMed 21882293 (cited by Institute for Genomic Medicine (IGM) Clinical Laboratory, Nationwide Children's Hospital and Foulkes Cancer Genetics LDI, Lady Davis Institute for Medical Research); PubMed 19061226 (cited by Institute for Genomic Medicine (IGM) Clinical Laboratory, Nationwide Children's Hospital); PubMed 26475046 (cited by Institute for Genomic Medicine (IGM) Clinical Laboratory, Nationwide Children's Hospital); PubMed 24909177 (cited by Institute for Genomic Medicine (IGM) Clinical Laboratory, Nationwide Children's Hospital and Foulkes Cancer Genetics LDI, Lady Davis Institute for Medical Research); PubMed 24675358 (cited by Institute for Genomic Medicine (IGM) Clinical Laboratory, Nationwide Children's Hospital); PubMed 26925222 (cited by 3 submitters); PubMed 31603374 (cited by Institute for Genomic Medicine (IGM) Clinical Laboratory, Nationwide Children's Hospital); PubMed 36966138 (cited by Institute for Genomic Medicine (IGM) Clinical Laboratory, Nationwide Children's Hospital); PubMed 24136150 (cited by Institute for Genomic Medicine (IGM) Clinical Laboratory, Nationwide Children's Hospital and Foulkes Cancer Genetics LDI, Lady Davis Institute for Medical Research); PubMed 26033501 (cited by Institute for Genomic Medicine (IGM) Clinical Laboratory, Nationwide Children's Hospital and Foulkes Cancer Genetics LDI, Lady Davis Institute for Medical Research); PubMed 26428316 (cited by Institute for Genomic Medicine (IGM) Clinical Laboratory, Nationwide Children's Hospital and Foulkes Cancer Genetics LDI, Lady Davis Institute for Medical Research); PubMed 28654427 (cited by Institute for Genomic Medicine (IGM) Clinical Laboratory, Nationwide Children's Hospital and Foulkes Cancer Genetics LDI, Lady Davis Institute for Medical Research); PubMed 34313965 (cited by Institute for Genomic Medicine (IGM) Clinical Laboratory, Nationwide Children's Hospital); PubMed 34580763 (cited by Institute for Genomic Medicine (IGM) Clinical Laboratory, Nationwide Children's Hospital); PubMed 36251117 (cited by Institute for Genomic Medicine (IGM) Clinical Laboratory, Nationwide Children's Hospital); PubMed 37160531 (cited by Institute for Genomic Medicine (IGM) Clinical Laboratory, Nationwide Children's Hospital); PubMed 28862265 (cited by Ambry Genetics and Foulkes Cancer Genetics LDI, Lady Davis Institute for Medical Research); PubMed 25176334 (cited by Institute for Genomic Medicine (IGM) Clinical Laboratory, Nationwide Children's Hospital); PubMed 32291395 (cited by Institute for Genomic Medicine (IGM) Clinical Laboratory, Nationwide Children's Hospital); PubMed 29881993 (cited by Institute for Genomic Medicine (IGM) Clinical Laboratory, Nationwide Children's Hospital and Foulkes Cancer Genetics LDI, Lady Davis Institute for Medical Research); PubMed 21205968 (cited by Foulkes Cancer Genetics LDI, Lady Davis Institute for Medical Research); PubMed 23728841 (cited by Foulkes Cancer Genetics LDI, Lady Davis Institute for Medical Research); PubMed 24617712 (cited by Foulkes Cancer Genetics LDI, Lady Davis Institute for Medical Research); PubMed 24481001 (cited by Foulkes Cancer Genetics LDI, Lady Davis Institute for Medical Research); PubMed 26033159 (cited by Foulkes Cancer Genetics LDI, Lady Davis Institute for Medical Research); PubMed 26841698 (cited by Foulkes Cancer Genetics LDI, Lady Davis Institute for Medical Research); PubMed 26983701 (cited by Foulkes Cancer Genetics LDI, Lady Davis Institute for Medical Research); PubMed 27459524 (cited by Foulkes Cancer Genetics LDI, Lady Davis Institute for Medical Research); PubMed 27664536 (cited by Foulkes Cancer Genetics LDI, Lady Davis Institute for Medical Research); PubMed 27697588 (cited by Foulkes Cancer Genetics LDI, Lady Davis Institute for Medical Research); PubMed 28323992 (cited by Foulkes Cancer Genetics LDI, Lady Davis Institute for Medical Research); PubMed 28825729 (cited by Foulkes Cancer Genetics LDI, Lady Davis Institute for Medical Research); PubMed 29037807 (cited by Foulkes Cancer Genetics LDI, Lady Davis Institute for Medical Research); PubMed 28766837 (cited by Foulkes Cancer Genetics LDI, Lady Davis Institute for Medical Research); PubMed 29395683 (cited by Foulkes Cancer Genetics LDI, Lady Davis Institute for Medical Research); PubMed 29351919 (cited by Foulkes Cancer Genetics LDI, Lady Davis Institute for Medical Research); PubMed 29753010 (cited by Foulkes Cancer Genetics LDI, Lady Davis Institute for Medical Research); PubMed 30260442 (cited by Foulkes Cancer Genetics LDI, Lady Davis Institute for Medical Research); PubMed 30266945 (cited by Foulkes Cancer Genetics LDI, Lady Davis Institute for Medical Research); PubMed 30446821 (cited by Foulkes Cancer Genetics LDI, Lady Davis Institute for Medical Research); PubMed 30649606 (cited by Foulkes Cancer Genetics LDI, Lady Davis Institute for Medical Research).